The following is an entry in ClinVar:

NM_017849.4(TMEM127):c.288C>T (p.Ile96=)

Gene: TMEM127 (transmembrane protein 127; minus strand). Cytogenetic location: 2q11.2.
Variant type: single nucleotide variant.
Coding change: c.288C>T on transcript NM_017849.4 (MANE Select); coding-DNA position 288, C replaced by T.
Protein change: p.Ile96=; no amino-acid change (isoleucine 96 retained).
Molecular consequence: synonymous variant.
Genome position (GRCh38, 1-based): chr2:96,254,954, G>A on the plus strand (C>T on the coding strand, the complement: TMEM127 is on the minus strand). VCF-style: chr2-96254954-G-A. GRCh37 (hg19) VCF-style: chr2-96920692-G-A.
Other names: c.288C>T, p.Ile96= (NM_001193304.3).
Identifiers: ClinVar variation 184865 (VCV000184865.21), dbSNP rs758726687, ClinGen allele CA190300.
Genomic context (GRCh38, chr2:96,254,954, plus strand): 5'-AAAGACATCCAGAAGGAAAGCGGAGAGACTACACAGGATGCCCAGGAAACAGAAGGCGGC[G>A]ATGACCCGCAGGAGCAGCACTGTCTGGGGATTCATGCAGAAATCTGTAGAGGGAGAACCA-3'
Protein context (NP_060319.1, residues 86-106): NPQTVLLLRV[Ile96=]AAFCFLGILC

ClinVar aggregate classification (germline): Benign/Likely benign. Review status: criteria provided, multiple submitters, no conflicts (2 of 4 stars). 5 submissions from 5 submitters: Benign (1); Likely benign (4). Last evaluated 2026-07-29.

Conditions:
Hereditary pheochromocytoma and paraganglioma. Also called: Hereditary Paraganglioma-Pheochromocytoma Syndromes; Hereditary pheochromocytoma-paraganglioma; Hereditary paragangliomas and pheochromocytomas. Identifiers: Orphanet 29072, MedGen C4274332, MONDO:0017366.
Pheochromocytoma. Also called: MAX-Related Hereditary Paraganglioma-Pheochromocytoma Syndrome. Identifiers: Orphanet 29072, MedGen C0031511, MONDO:0008233, OMIM 171300, HP:0002666.
Hereditary cancer-predisposing syndrome. Also called: Neoplastic Syndromes, Hereditary; Tumor predisposition; Hereditary Cancer Syndrome; Hereditary neoplastic syndrome. Identifiers: Orphanet 140162, MedGen C0027672, MeSH D009386, MONDO:0015356.

Allele frequency attached by ClinVar (database versions not stated): TOPMed 0.00002.

Submissions (5):

Myriad Genetics, Inc.
Classification: Benign for Hereditary pheochromocytoma and paraganglioma. Last evaluated: 2026-07-29. Review status: criteria provided, single submitter. Criteria: Myriad Autosomal Dominant, Autosomal Recessive and X-Linked Classification Criteria (2023). Collection method: clinical testing. Allele origin: unknown.
Comment: This variant is considered benign. This variant is a silent/synonymous amino acid change and it is not expected to impact splicing.

Labcorp Genetics (formerly Invitae), Labcorp
Classification: Likely benign for Hereditary pheochromocytoma and paraganglioma. Last evaluated: 2026-01-07. Review status: criteria provided, single submitter. Criteria: Invitae Variant Classification Sherloc (09022015). Collection method: clinical testing. Allele origin: germline.

Quest Diagnostics Nichols Institute San Juan Capistrano
Classification: Likely benign. Last evaluated: 2023-08-04. Review status: criteria provided, single submitter. Criteria: Quest Diagnostics criteria. Collection method: clinical testing. Allele origin: unknown.

Illumina Laboratory Services, Illumina
Classification: Likely benign for Pheochromocytoma. Last evaluated: 2018-01-13. Review status: criteria provided, single submitter. Criteria: ICSL Variant Classification Criteria 13 December 2019. Collection method: clinical testing. Allele origin: germline.
Comment: This variant was observed in the ICSL laboratory as part of a predisposition screen in an ostensibly healthy population. It had not been previously curated by ICSL or reported in the Human Gene Mutation Database (HGMD: prior to June 1st, 2018), and was therefore a candidate for classification through an automated scoring system. Utilizing variant allele frequency, disease prevalence and penetrance estimates, and inheritance mode, an automated score was calculated to assess if this variant is too frequent to cause the disease. Based on the score and internal cut-off values, a variant classified as likely benign is not then subjected to further curation. The score for this variant resulted in a classification of likely benign for this disease.

Ambry Genetics
Classification: Likely benign for Hereditary cancer-predisposing syndrome. Last evaluated: 2014-12-17. Review status: criteria provided, single submitter. Criteria: Ambry Variant Classification Scheme 2023. Collection method: clinical testing. Allele origin: germline.

Literature cited by the submitters: PubMed 21156949 (cited by Quest Diagnostics Nichols Institute San Juan Capistrano).